The following is an entry in ClinVar:

ClinVar aggregate classification (germline): Uncertain significance (1 of 4 stars; one submission).

Submission:

Labcorp Genetics (formerly Invitae), Labcorp
Classification: Uncertain significance. Last evaluated: 2023-08-04. Review status: criteria provided, single submitter. Criteria: Invitae Variant Classification Sherloc (09022015). Collection method: clinical testing. Allele origin: germline.
Comment: This variant has not been reported in the literature in individuals affected with LIPT2-related conditions. ClinVar contains an entry for this variant (Variation ID: 1391633). An algorithm developed to predict the effect of missense changes on protein structure and function (PolyPhen-2) suggests that this variant is likely to be disruptive. In summary, the available evidence is currently insufficient to determine the role of this variant in disease. Therefore, it has been classified as a Variant of Uncertain Significance. This variant is not present in population databases (gnomAD no frequency). This sequence change replaces threonine, which is neutral and polar, with alanine, which is neutral and non-polar, at codon 58 of the LIPT2 protein (p.Thr58Ala).

NM_001144869.3(LIPT2):c.172A>G (p.Thr58Ala)

Genes: LIPT2 (lipoyl(octanoyl) transferase 2; minus strand), LIPT2-AS1 (LIPT2 antisense RNA 1; plus strand), LOC130006411 (ATAC-STARR-seq lymphoblastoid silent region 3753; plus strand). Cytogenetic location: 11q13.4.
Variant type: single nucleotide variant.
Coding change: c.172A>G on transcript NM_001144869.3 (MANE Select); coding-DNA position 172, A replaced by G.
Protein change: p.Thr58Ala; replaces threonine 58 with alanine.
Molecular consequence: missense variant. On other transcripts: non-coding transcript variant (1).
Genome position (GRCh38, 1-based): chr11:74,493,532, T>C on the plus strand (A>G on the coding strand, the complement: LIPT2 is on the minus strand). VCF-style: chr11-74493532-T-C. GRCh37 (hg19) VCF-style: chr11-74204577-T-C.
Other names: c.172A>G, p.Thr58Ala (NM_001329941.2, NM_001329942.2); short protein forms T58A.
Identifiers: ClinVar variation 1391633 (VCV001391633.6), dbSNP rs2135045617, ClinGen allele CA381976914.
Genomic context (GRCh38, chr11:74,493,532, plus strand): 5'-CGCCCAAGGCCCGTAGCCGCGCAGTTTCCTCGGGCGTCAGGCCGCCGCGCAGCCCGGCCG[T>C]ATACACGGGCCCCGCGGGCTCGCAGAGCAGGAGCGCGCCCGCCTCAGTCCCCGACGGGGC-3'
Protein context (NP_001138341.1, residues 48-68): LLCEPAGPVY[Thr58Ala]AGLRGGLTPE